The following is an entry in ClinVar:

ClinVar aggregate classification (germline): Uncertain significance (1 of 4 stars; one submission).

Submission:

GeneDx
Classification: Uncertain significance. Last evaluated: 2024-05-09. Review status: criteria provided, single submitter. Criteria: GeneDx Variant Classification Process June 2021. Collection method: clinical testing. Allele origin: germline. Affected: yes.
Comment: Not observed at significant frequency in large population cohorts (gnomAD); In silico analysis supports a deleterious effect on splicing; Has not been previously published as pathogenic or benign to our knowledge

NM_001256071.3(RNF213):c.5989G>A (p.Gly1997Arg)

Gene: RNF213 (ring finger protein 213; plus strand). Cytogenetic location: 17q25.3.
Variant type: single nucleotide variant.
Coding change: c.5989G>A on transcript NM_001256071.3 (MANE Select); coding-DNA position 5989, G replaced by A.
Protein change: p.Gly1997Arg; replaces glycine 1997 with arginine.
Molecular consequence: missense variant.
Genome position (GRCh38, 1-based): chr17:80,340,356, G>A. VCF-style: chr17-80340356-G-A. GRCh37 (hg19) VCF-style: chr17-78314156-G-A.
Other names: c.6136G>A, p.Gly2046Arg (NM_001410195.1, NM_020914.5); short protein forms G1997R, G2046R.
Identifiers: ClinVar variation 3375574 (VCV003375574.1).
Genomic context (GRCh38, chr17:80,340,356, plus strand): 5'-GCAGCCGTGTTCAATGACCGGCTGTGTGTTGGGATCGTGGCCTCGGAGCGAGCAGGTGTT[G>A]GTAAGGAGAGCGGCAGGGTGGGCAGGCCCCGTCTCCCAGGGACTGCCCGGGGCCCTTCCC-3'
Protein context (NP_001243000.2, residues 1987-2007): GIVASERAGV[Gly1997Arg]KSLYVKRLHD